The following is an entry in ClinVar:

ClinVar aggregate classification (germline): Uncertain significance (1 of 4 stars; one submission).

gnomAD v4.1: 2 of 1,613,744 alleles (0.00012%); highest among the groups gnomAD compares: African/African-American, 0.0027%; no homozygotes.

Submission:

Labcorp Genetics (formerly Invitae), Labcorp
Classification: Uncertain significance. Last evaluated: 2024-05-28. Review status: criteria provided, single submitter. Criteria: Invitae Variant Classification Sherloc (09022015). Collection method: clinical testing. Allele origin: germline.
Comment: This sequence change replaces serine, which is neutral and polar, with threonine, which is neutral and polar, at codon 21 of the LIPC protein (p.Ser21Thr). This variant is not present in population databases (gnomAD no frequency). This variant has not been reported in the literature in individuals affected with LIPC-related conditions. An algorithm developed to predict the effect of missense changes on protein structure and function (PolyPhen-2) suggests that this variant is likely to be tolerated. In summary, the available evidence is currently insufficient to determine the role of this variant in disease. Therefore, it has been classified as a Variant of Uncertain Significance.

NM_000236.3(LIPC):c.62G>C (p.Ser21Thr)

Gene: LIPC (lipase C, hepatic type; plus strand). Cytogenetic location: 15q21.3.
Variant type: single nucleotide variant.
Coding change: c.62G>C on transcript NM_000236.3 (MANE Select); coding-DNA position 62, G replaced by C.
Protein change: p.Ser21Thr; replaces serine 21 with threonine.
Molecular consequence: missense variant.
Genome position (GRCh38, 1-based): chr15:58,432,094, G>C. VCF-style: chr15-58432094-G-C. GRCh37 (hg19) VCF-style: chr15-58724293-G-C.
Other names: short protein forms S21T.
Identifiers: ClinVar variation 3623466 (VCV003623466.2).